The following is an entry in ClinVar:

NM_000141.5(FGFR2):c.110-54C>T

Gene: FGFR2 (fibroblast growth factor receptor 2; minus strand). Cytogenetic location: 10q26.13.
Variant type: single nucleotide variant.
Coding change: c.110-54C>T on transcript NM_000141.5 (MANE Select); 54 bases into the intron before coding-DNA position 110, C replaced by T.
Molecular consequence: intron variant.
Genome position (GRCh38, 1-based): chr10:121,565,758, G>A on the plus strand (C>T on the coding strand, the complement: FGFR2 is on the minus strand). VCF-style: chr10-121565758-G-A. GRCh37 (hg19) VCF-style: chr10-123325272-G-A.
Other names: c.110-54C>T (NM_001144917.2, NM_001320658.2, NM_001441087.1 and 3 more transcripts); c.110-1179C>T (NM_001144915.2, NM_001144919.2, NM_001441089.1 and 2 more transcripts); c.110-14299C>T (NM_001144916.2, NM_001441091.1, NM_001441090.1 and 1 more transcripts).
Identifiers: ClinVar variation 675994 (VCV000675994.10), dbSNP rs3135732, ClinGen allele CA214300409.

ClinVar aggregate classification (germline): Benign/Likely benign. Review status: criteria provided, multiple submitters, no conflicts (2 of 4 stars). 3 submissions from 3 submitters: Benign (1); Likely benign (2). Last evaluated 2018-07-24.

Allele frequency attached by ClinVar (database versions not stated): gnomAD 0.01267 and 0.01358; TOPMed 0.01632; 1000 Genomes Project 30x 0.02608; 1000 Genomes Project 0.02616.
gnomAD v4.1: 12,222 of 1,605,282 alleles (0.76%); highest among the groups gnomAD compares: Admixed American, 7.8%; 409 homozygotes.

Submissions (3):

ARUP Laboratories, Molecular Genetics and Genomics, ARUP Laboratories
Classification: Benign. Last evaluated: 2018-07-24. Review status: criteria provided, single submitter. Criteria: ARUP Molecular Germline Variant Investigation Process. Collection method: clinical testing. Allele origin: germline.

GeneDx
Classification: Likely benign. Last evaluated: 2018-06-14. Review status: criteria provided, single submitter. Criteria: GeneDx Variant Classification (06012015). Collection method: clinical testing. Allele origin: germline. Affected: yes.
Comment: This variant is considered likely benign or benign based on one or more of the following criteria: it is a conservative change, it occurs at a poorly conserved position in the protein, it is predicted to be benign by multiple in silico algorithms, and/or has population frequency not consistent with disease.

Breakthrough Genomics
Classification: Likely benign. Review status: criteria provided, single submitter. Criteria: ACMG Guidelines, 2015. Collection method: not provided. Allele origin: germline. Inheritance: Autosomal dominant inheritance. Affected: yes.